The following is an entry in ClinVar:

ClinVar aggregate classification (germline): Pathogenic (1 of 4 stars; one submission).

Conditions:
RYR1-related disorder. Also called: RYR1-related condition; RYR1-related disorders. Identifiers: MedGen CN239331.

Submission:

Labcorp Genetics (formerly Invitae), Labcorp
Classification: Pathogenic for RYR1-related disorder. Last evaluated: 2022-08-16. Review status: criteria provided, single submitter. Criteria: Invitae Variant Classification Sherloc (09022015). Collection method: clinical testing. Allele origin: germline.
Comment: This sequence change creates a premature translational stop signal (p.Gln4099Serfs*21) in the RYR1 gene. It is expected to result in an absent or disrupted protein product. Loss-of-function variants in RYR1 are known to be pathogenic (PMID: 20583297, 20839240, 23919265, 28818389). For these reasons, this variant has been classified as Pathogenic. This variant has not been reported in the literature in individuals affected with RYR1-related conditions. This variant is not present in population databases (gnomAD no frequency).

Literature cited by the submitters: PubMed 20583297; PubMed 20839240; PubMed 23919265; PubMed 28818389.

NM_000540.3(RYR1):c.12295_12301del (p.Gln4099fs)

Gene: RYR1 (ryanodine receptor 1; plus strand). Cytogenetic location: 19q13.2.
Variant type: Deletion.
Coding change: c.12295_12301del on transcript NM_000540.3 (MANE Select); coding-DNA positions 12295 to 12301, 7 bases deleted (CAGAAGC; older notation c.12295_12301delCAGAAGC).
Protein change: p.Gln4099fs; shifts the reading frame from glutamine 4099.
Molecular consequence: frameshift variant.
Genome position (GRCh38, 1-based): chr19:38,561,125-38,561,131, CAGAAGC deleted; deleting any 7 consecutive bases within chr19:38,561,122-38,561,131 gives the same sequence; the c. name uses the placement nearest the transcript's 3' end. VCF-style (leftmost placement, unchanged base first): chr19-38561121-CAGCCAGA-C. GRCh37 (hg19) VCF-style: chr19-39051761-CAGCCAGA-C.
Other names: c.12280_12286del, p.Gln4094fs (NM_001042723.2); short protein forms Q4094fs, Q4099fs.
Identifiers: ClinVar variation 2053140 (VCV002053140.4), dbSNP rs2514651982, ClinGen allele CA2580097168.